The following is an entry in ClinVar:

NM_020461.4(TUBGCP6):c.5168G>C (p.Arg1723Thr)

Gene: TUBGCP6 (tubulin gamma complex component 6; minus strand). Cytogenetic location: 22q13.33.
Variant type: single nucleotide variant.
Coding change: c.5168G>C on transcript NM_020461.4 (MANE Select); coding-DNA position 5168, G replaced by C.
Protein change: p.Arg1723Thr; replaces arginine 1723 with threonine.
Molecular consequence: missense variant.
Genome position (GRCh38, 1-based): chr22:50,218,189, C>G on the plus strand (G>C on the coding strand, the complement: TUBGCP6 is on the minus strand). VCF-style: chr22-50218189-C-G. GRCh37 (hg19) VCF-style: chr22-50656618-C-G.
Other names: short protein forms R1723T.
Identifiers: ClinVar variation 1356966 (VCV001356966.6), dbSNP rs2147171542, ClinGen allele CA412163782.

ClinVar aggregate classification (germline): Uncertain significance (1 of 4 stars; one submission).

Submission:

Labcorp Genetics (formerly Invitae), Labcorp
Classification: Uncertain significance. Last evaluated: 2022-08-09. Review status: criteria provided, single submitter. Criteria: Invitae Variant Classification Sherloc (09022015). Collection method: clinical testing. Allele origin: germline.
Comment: This sequence change replaces arginine, which is basic and polar, with threonine, which is neutral and polar, at codon 1723 of the TUBGCP6 protein (p.Arg1723Thr). This variant also falls at the last nucleotide of exon 23, which is part of the consensus splice site for this exon. This variant is not present in population databases (gnomAD no frequency). This variant has not been reported in the literature in individuals affected with TUBGCP6-related conditions. ClinVar contains an entry for this variant (Variation ID: 1356966). Algorithms developed to predict the effect of missense changes on protein structure and function are either unavailable or do not agree on the potential impact of this missense change (SIFT: "Tolerated"; PolyPhen-2: "Probably Damaging"; Align-GVGD: "Class C0"). Variants that disrupt the consensus splice site are a relatively common cause of aberrant splicing (PMID: 17576681, 9536098). Algorithms developed to predict the effect of sequence changes on RNA splicing suggest that this variant may disrupt the consensus splice site. In summary, the available evidence is currently insufficient to determine the role of this variant in disease. Therefore, it has been classified as a Variant of Uncertain Significance.

Literature cited by the submitters: PubMed 17576681; PubMed 9536098.